The following is an entry in ClinVar:

NM_006231.4(POLE):c.6196A>C (p.Ile2066Leu)

Gene: POLE (DNA polymerase epsilon, catalytic subunit; minus strand). Cytogenetic location: 12q24.33.
Variant type: single nucleotide variant.
Coding change: c.6196A>C on transcript NM_006231.4 (MANE Select); coding-DNA position 6196, A replaced by C.
Protein change: p.Ile2066Leu; replaces isoleucine 2066 with leucine.
Molecular consequence: missense variant.
Genome position (GRCh38, 1-based): chr12:132,632,449, T>G on the plus strand (A>C on the coding strand, the complement: POLE is on the minus strand). VCF-style: chr12-132632449-T-G. GRCh37 (hg19) VCF-style: chr12-133209035-T-G.
Other names: short protein forms I2066L.
Identifiers: ClinVar variation 2133486 (VCV002133486.4), dbSNP rs1266801207, ClinGen allele CA387369780.

ClinVar aggregate classification (germline): Uncertain significance (1 of 4 stars; one submission).

gnomAD v4.1: 3 of 1,613,968 alleles (0.00019%); highest among the groups gnomAD compares: Non-Finnish European, 0.00025%; no homozygotes.

Submission:

Labcorp Genetics (formerly Invitae), Labcorp
Classification: Uncertain significance. Last evaluated: 2023-07-10. Review status: criteria provided, single submitter. Criteria: Invitae Variant Classification Sherloc (09022015). Collection method: clinical testing. Allele origin: germline.
Comment: This sequence change replaces isoleucine, which is neutral and non-polar, with leucine, which is neutral and non-polar, at codon 2066 of the POLE protein (p.Ile2066Leu). This variant is not present in population databases (gnomAD no frequency). This variant has not been reported in the literature in individuals affected with POLE-related conditions. ClinVar contains an entry for this variant (Variation ID: 2133486). Advanced modeling of protein sequence and biophysical properties (such as structural, functional, and spatial information, amino acid conservation, physicochemical variation, residue mobility, and thermodynamic stability) performed at Invitae indicates that this missense variant is not expected to disrupt POLE protein function. Algorithms developed to predict the effect of sequence changes on RNA splicing suggest that this variant may create or strengthen a splice site. In summary, the available evidence is currently insufficient to determine the role of this variant in disease. Therefore, it has been classified as a Variant of Uncertain Significance.